The following is an entry in ClinVar:

ClinVar aggregate classification (germline): Uncertain significance. Review status: criteria provided, multiple submitters, no conflicts (2 of 4 stars). 3 submissions from 3 submitters: Uncertain significance (2). 1 of the submissions does not count toward it. Last evaluated 2023-10-09.

Conditions:
Cystic fibrosis (CF). Also called: MUCOVISCIDOSIS. Identifiers: Orphanet 586, MedGen C0010674, MONDO:0009061, OMIM 219700. Disease mechanism: loss of function.

Submissions (3):

Women's Health and Genetics/Laboratory Corporation of America, LabCorp
Classification: Uncertain significance. Last evaluated: 2023-10-09. Review status: criteria provided, single submitter. Criteria: LabCorp Variant Classification Summary - May 2015. Collection method: clinical testing. Allele origin: germline.
Comment: Variant summary: CFTR c.489G>A (p.Lys163Lys) alters a conserved nucleotide located close to a canonical splice site and therefore could affect mRNA splicing, leading to a significantly altered protein sequence. Several computational tools predict a significant impact on normal splicing: Three predict the variant abolishes a 5' splicing donor site. One predict the variant weakens a 5' donor site. However, these predictions have yet to be confirmed by functional studies. The variant was absent in 245706 control chromosomes. The available data on variant occurrences in the general population are insufficient to allow any conclusion about variant significance. c.489G>A has been reported in the literature in individuals affected with Cystic Fibrosis (Macek_1997). These data do not allow any conclusion about variant significance. To our knowledge, no experimental evidence demonstrating an impact on protein function has been reported. The following publication has been ascertained in the context of this evaluation (PMID: 9150159). One submitter has cited clinical-significance assessments for this variant to ClinVar after 2014 and has classified the variant as uncertain significance. Based on the evidence outlined above, the variant was classified as uncertain significance.

Institute of Human Genetics, University of Leipzig Medical Center
Classification: Uncertain significance for Cystic fibrosis. Last evaluated: 2022-09-05. Review status: criteria provided, single submitter. Criteria: ACMG Guidelines, 2015. Collection method: curation. Allele origin: unknown. Affected: yes. Observed: 1 variant allele.
Comment: The variant was classified in the context of a project re-classifying variants in the German Cystic Fibrosis Registry (Muko.e.V.). Criteria applied: PM2_SUP, PM3, PP3

ClinVar Staff, National Center for Biotechnology Information (NCBI)
No classification provided. Condition: CFTR-related disorders. Review status: no classification provided. Collection method: literature only. Allele origin: germline. Affected: yes. Not counted in ClinVar's aggregate classification.

Literature cited by the submitters: PubMed 9150159 (cited by Women's Health and Genetics/Laboratory Corporation of America, LabCorp and ClinVar Staff, National Center for Biotechnology Information (NCBI)).

NM_000492.4(CFTR):c.489G>A (p.Lys163=)

Gene: CFTR (CF transmembrane conductance regulator; plus strand). Cytogenetic location: 7q31.2.
Variant type: single nucleotide variant.
Coding change: c.489G>A on transcript NM_000492.4 (MANE Select); coding-DNA position 489, G replaced by A.
Protein change: p.Lys163=; no amino-acid change (lysine 163 retained).
Molecular consequence: synonymous variant.
Genome position (GRCh38, 1-based): chr7:117,531,114, G>A. VCF-style: chr7-117531114-G-A. GRCh37 (hg19) VCF-style: chr7-117171168-G-A.
Other names: 621G->A.
Identifiers: ClinVar variation 53972 (VCV000053972.3), dbSNP rs397508733, ClinGen allele CA327530.